The following is an entry in ClinVar:

ClinVar aggregate classification (germline): Conflicting classifications of pathogenicity. Review status: criteria provided, conflicting classifications (1 of 4 stars). 5 submissions from 5 submitters: Uncertain significance (1); Likely benign (4). Last evaluated 2026-01-26.

Conditions:
Joubert syndrome 3 (JBTS3). Also called: AHI1-related Ciliopathy. Identifiers: Orphanet 220493, MedGen C1837713, MONDO:0012078, OMIM 608629.
Joubert syndrome. Also called: JOUBERT-BOLTSHAUSER SYNDROME; Familial aplasia of the vermis. Identifiers: Orphanet 475, MedGen C5979921, MONDO:0018772.

Allele frequency attached by ClinVar (database versions not stated): gnomAD exomes 0.00004 and 0.00014; ExAC 0.00021; gnomAD 0.00052 and 0.00058; ESP Exome Variant Server 0.00058; TOPMed 0.00064.
gnomAD v4.1: 146 of 1,610,656 alleles (0.0091%); highest among the groups gnomAD compares: African/African-American, 0.15%; no homozygotes.

Submissions (5):

Labcorp Genetics (formerly Invitae), Labcorp
Classification: Likely benign for Joubert syndrome. Last evaluated: 2026-01-26. Review status: criteria provided, single submitter. Criteria: Invitae Variant Classification Sherloc (09022015). Collection method: clinical testing. Allele origin: germline.

Blueprint Genetics
Classification: Likely benign. Last evaluated: 2024-11-13. Review status: criteria provided, single submitter. Criteria: ACMG Guidelines, 2015. Collection method: clinical testing. Allele origin: germline.

Fulgent Genetics
Classification: Likely benign for Joubert syndrome 3. Last evaluated: 2022-01-26. Review status: criteria provided, single submitter. Criteria: ACMG Guidelines, 2015. Collection method: clinical testing. Allele origin: unknown.

Revvity Omics, Revvity
Classification: Uncertain significance for Joubert syndrome 3. Last evaluated: 2022-01-05. Review status: criteria provided, single submitter. Criteria: ACMG Guidelines, 2015. Collection method: clinical testing. Allele origin: germline.

GeneDx
Classification: Likely benign. Last evaluated: 2016-07-05. Review status: criteria provided, single submitter. Criteria: GeneDx Variant Classification (06012015). Collection method: clinical testing. Allele origin: germline. Affected: yes.
Comment: This variant is considered likely benign or benign based on one or more of the following criteria: it is a conservative change, it occurs at a poorly conserved position in the protein, it is predicted to be benign by multiple in silico algorithms, and/or has population frequency not consistent with disease.

NM_001134831.2(AHI1):c.1533T>G (p.Val511=)

Gene: AHI1 (Abelson helper integration site 1; minus strand). Cytogenetic location: 6q23.3.
Variant type: single nucleotide variant.
Coding change: c.1533T>G on transcript NM_001134831.2 (MANE Select); coding-DNA position 1533, T replaced by G.
Protein change: p.Val511=; no amino-acid change (valine 511 retained).
Molecular consequence: synonymous variant.
Genome position (GRCh38, 1-based): chr6:135,448,383, A>C on the plus strand (T>G on the coding strand, the complement: AHI1 is on the minus strand). VCF-style: chr6-135448383-A-C. GRCh37 (hg19) VCF-style: chr6-135769521-A-C.
Other names: c.1533T>G, p.Val511= (NM_001134830.2, NM_001134832.2, NM_001350503.2 and 2 more transcripts).
Identifiers: ClinVar variation 387415 (VCV000387415.17), dbSNP rs373669500, ClinGen allele CA4012570.